The following is an entry in ClinVar:

NM_000230.3(LEP):c.-10G>T

Gene: LEP (leptin; plus strand). Cytogenetic location: 7q32.1.
Variant type: single nucleotide variant.
Coding change: c.-10G>T on transcript NM_000230.3 (MANE Select); 10 bases upstream of the start codon, G replaced by T.
Molecular consequence: 5 prime UTR variant.
Genome position (GRCh38, 1-based): chr7:128,252,009, G>T. VCF-style: chr7-128252009-G-T. GRCh37 (hg19) VCF-style: chr7-127892062-G-T.
Identifiers: ClinVar variation 3355207 (VCV003355207.1).

ClinVar aggregate classification (germline): Likely benign (0 of 4 stars; one submission).

Conditions:
LEP-related disorder. Also called: LEP-related condition.

gnomAD v4.1: 1 of 1,614,110 alleles (0.000062%); highest among the groups gnomAD compares: African/African-American, 0.0013%; no homozygotes.

Submission:

PreventionGenetics, part of Exact Sciences
Classification: Likely benign for LEP-related condition. Last evaluated: 2024-09-13. Review status: no assertion criteria provided. Collection method: clinical testing. Allele origin: germline.
Comment: This variant is classified as likely benign based on ACMG/AMP sequence variant interpretation guidelines (Richards et al. 2015 PMID: 25741868, with internal and published modifications).